The following is an entry in ClinVar:

NM_001754.5(RUNX1):c.390C>T (p.Val130=)

Genes: RUNX1 (RUNX family transcription factor 1; minus strand), RUNX1-AS1 (RUNX1 antisense RNA 1; plus strand). Cytogenetic location: 21q22.12.
Variant type: single nucleotide variant.
Coding change: c.390C>T on transcript NM_001754.5 (MANE Select); coding-DNA position 390, C replaced by T.
Protein change: p.Val130=; no amino-acid change (valine 130 retained).
Molecular consequence: synonymous variant.
Genome position (GRCh38, 1-based): chr21:34,880,675, G>A on the plus strand (C>T on the coding strand, the complement: RUNX1 is on the minus strand). VCF-style: chr21-34880675-G-A. GRCh37 (hg19) VCF-style: chr21-36252972-G-A.
Other names: NM_001754.5(RUNX1):c.390C>T; p.Val130=; c.390C>T (NM_001754.4); c.309C>T, p.Val103= (NM_001001890.3, NM_001122607.2).
Identifiers: ClinVar variation 1154884 (VCV001154884.11), dbSNP rs1458985970, ClinGen allele CA512318762.

ClinVar aggregate classification (germline): Likely benign. Review status: reviewed by expert panel (3 of 4 stars). 3 submissions from 3 submitters: Likely benign (1). 2 of the submissions do not count toward it. Last evaluated 2024-06-24.

Conditions:
Hereditary thrombocytopenia and hematologic cancer predisposition syndrome. Identifiers: Orphanet 71290, MedGen CN281654, MONDO:0011071.
Inborn genetic diseases. Identifiers: MedGen C0950123, MeSH D030342.
Hereditary thrombocytopenia and hematological cancer predisposition syndrome associated with RUNX1. Also called: Familial Platelet Disorder with Propensity to Acute Myelogenous Leukemia; Familial thrombocytopenia with propensity to acute myelogenous leukemia; PLATELET DISORDER, ASPIRIN-LIKE; RUNX1 Familial Platelet Disorder with Associated Myeloid Malignancies. Identifiers: Orphanet 71290, MedGen C1832388, MeSH C563324, MONDO:0100083, OMIM 601399.

Allele frequency attached by ClinVar (database versions not stated): gnomAD exomes below 0.00001.

Submissions (3):

ClinGen Myeloid Malignancy Variant Curation Expert Panel
Classification: Likely benign for Hereditary thrombocytopenia and hematologic cancer predisposition syndrome. Last evaluated: 2024-06-24. Review status: reviewed by expert panel. Criteria: ClinGen MyeloMalig ACMG Specifications v2. Collection method: curation. Allele origin: germline. Inheritance: Autosomal dominant inheritance.
Comment: Synonymous variant (no REVEL score applicable), and SpliceAI score is ≤ 0.20 (0.00) (BP4). Evolutionary conservation prediction algorithms predict the site as not being conserved (PhyloP score 0.628 (< 2.0)) (BP7). In summary, this variant meets criteria to be classified as likely benign. ACMG/AMP criteria applied, as specified by the Myeloid Malignancy Variant Curation Expert Panel for RUNX1: BP4, BP7.

Ambry Genetics
Classification: Likely benign for Inborn genetic diseases. Last evaluated: 2025-03-16. Review status: criteria provided, single submitter. Criteria: Ambry Variant Classification Scheme 2023. Collection method: clinical testing. Allele origin: germline. Not counted in ClinVar's aggregate classification.

Labcorp Genetics (formerly Invitae), Labcorp
Classification: Likely benign for Hereditary thrombocytopenia and hematological cancer predisposition syndrome associated with RUNX1. Last evaluated: 2022-07-29. Review status: criteria provided, single submitter. Criteria: Invitae Variant Classification Sherloc (09022015). Collection method: clinical testing. Allele origin: germline. Not counted in ClinVar's aggregate classification.